The following is an entry in ClinVar:

ClinVar aggregate classification (germline): Likely benign. Review status: criteria provided, multiple submitters, no conflicts (2 of 4 stars). 2 submissions from 2 submitters: Likely benign (2). Last evaluated 2025-12-24.

Conditions:
Familial focal epilepsy with variable foci (FPEVF). Identifiers: Orphanet 98820, MedGen C1858477, MONDO:0020310.

Allele frequency attached by ClinVar (database versions not stated): gnomAD exomes 0.00001; ExAC 0.00002; ESP Exome Variant Server 0.00008; gnomAD 0.00009 and 0.00011; TOPMed 0.00009.
gnomAD v4.1: 27 of 1,532,254 alleles (0.0018%); highest among the groups gnomAD compares: African/African-American, 0.0083%; no homozygotes.

Submissions (2):

Labcorp Genetics (formerly Invitae), Labcorp
Classification: Likely benign for Familial focal epilepsy with variable foci. Last evaluated: 2025-12-24. Review status: criteria provided, single submitter. Criteria: Invitae Variant Classification Sherloc (09022015). Collection method: clinical testing. Allele origin: germline.

Women's Health and Genetics/Laboratory Corporation of America, LabCorp
Classification: Likely benign. Last evaluated: 2025-07-22. Review status: criteria provided, single submitter. Criteria: LabCorp Variant Classification Summary - May 2015. Collection method: clinical testing. Allele origin: germline.
Comment: Variant summary: DEPDC5 c.2105-18G>A alters a nucleotide located at a position not widely known to affect splicing. Consensus agreement among computation tools predict no significant impact on normal splicing. However, these predictions have yet to be confirmed by functional studies. The variant allele was found at a frequency of 1.4e-05 in 208736 control chromosomes. The available data on variant occurrences in the general population are insufficient to allow any conclusion about variant significance. To our knowledge, no occurrence of c.2105-18G>A in individuals affected with Epilepsy, Familial Focal, With Variable Foci 1 and no experimental evidence demonstrating its impact on protein function have been reported. ClinVar contains an entry for this variant (Variation ID: 1548485). Based on the evidence outlined above, the variant was classified as likely benign.

NM_001242896.3(DEPDC5):c.2105-18G>A

Gene: DEPDC5 (DEP domain containing 5, GATOR1 subcomplex subunit; plus strand). Cytogenetic location: 22q12.3.
Variant type: single nucleotide variant.
Coding change: c.2105-18G>A on transcript NM_001242896.3 (MANE Select); 18 bases into the intron before coding-DNA position 2105, G replaced by A.
Molecular consequence: intron variant.
Genome position (GRCh38, 1-based): chr22:31,833,897, G>A. VCF-style: chr22-31833897-G-A. GRCh37 (hg19) VCF-style: chr22-32229883-G-A.
Other names: c.2105-18G>A (NM_001364318.2, NM_001136029.4, NM_014662.6 and 3 more transcripts); c.1871-18G>A (NM_001363854.2, NM_001242897.2, NM_001364319.2); c.2021-18G>A (NM_001369902.1, NM_001369901.1).
Identifiers: ClinVar variation 1548485 (VCV001548485.9), dbSNP rs370396455, ClinGen allele CA10196595.
Genomic context (GRCh38, chr22:31,833,897, plus strand): 5'-CCTTTTTCAACCATAACTGGTCAGAACTCTTTTGCAGAGTGAGCCTTCTTAAGACAAGCT[G>A]TTTTTATCTTTCCATAGGTATGAATCCTAGGACCCAGAATAAGGATTCTCTAGAGGACAG-3'